The following is an entry in ClinVar:

NM_002439.5(MSH3):c.3224T>C (p.Leu1075Pro)

Gene: MSH3 (mutS homolog 3; plus strand). Cytogenetic location: 5q14.1.
Variant type: single nucleotide variant.
Coding change: c.3224T>C on transcript NM_002439.5 (MANE Select); coding-DNA position 3224, T replaced by C.
Protein change: p.Leu1075Pro; replaces leucine 1075 with proline.
Molecular consequence: missense variant.
Genome position (GRCh38, 1-based): chr5:80,873,209, T>C. VCF-style: chr5-80873209-T-C. GRCh37 (hg19) VCF-style: chr5-80169028-T-C.
Other names: c.3224T>C (NM_002439.3); short protein forms L1075P.
Identifiers: ClinVar variation 2762726 (VCV002762726.4), dbSNP rs2478805318, ClinGen allele CA360346979.

ClinVar aggregate classification (germline): Uncertain significance. Review status: criteria provided, multiple submitters, no conflicts (2 of 4 stars). 2 submissions from 2 submitters: Uncertain significance (2). Last evaluated 2026-07-06.

Conditions:
Hereditary cancer-predisposing syndrome. Also called: Hereditary Cancer Syndrome; Hereditary neoplastic syndrome; Neoplastic Syndromes, Hereditary; Tumor predisposition. Identifiers: Orphanet 140162, MedGen C0027672, MeSH D009386, MONDO:0015356.

Submissions (2):

Ambry Genetics
Classification: Uncertain significance for Hereditary cancer-predisposing syndrome. Last evaluated: 2026-07-06. Review status: criteria provided, single submitter. Criteria: Ambry Variant Classification Scheme 2023. Collection method: clinical testing. Allele origin: germline.
Comment: The p.L1075P variant (also known as c.3224T>C), located in coding exon 23 of the MSH3 gene, results from a T to C substitution at nucleotide position 3224. The leucine at codon 1075 is replaced by proline, an amino acid with similar properties. This amino acid position is conserved. In addition, this alteration is predicted to be deleterious by in silico analysis. Based on the available evidence, the clinical significance of this variant remains unclear.

Labcorp Genetics (formerly Invitae), Labcorp
Classification: Uncertain significance. Last evaluated: 2023-09-22. Review status: criteria provided, single submitter. Criteria: Invitae Variant Classification Sherloc (09022015). Collection method: clinical testing. Allele origin: germline.
Comment: This variant is not present in population databases (gnomAD no frequency). In summary, the available evidence is currently insufficient to determine the role of this variant in disease. Therefore, it has been classified as a Variant of Uncertain Significance. An algorithm developed to predict the effect of missense changes on protein structure and function (PolyPhen-2) suggests that this variant is likely to be disruptive. This variant has not been reported in the literature in individuals affected with MSH3-related conditions. This sequence change replaces leucine, which is neutral and non-polar, with proline, which is neutral and non-polar, at codon 1075 of the MSH3 protein (p.Leu1075Pro).